The following is an entry in ClinVar:

NM_001943.5(DSG2):c.1110T>C (p.Pro370=)

Gene: DSG2 (desmoglein 2; plus strand). Cytogenetic location: 18q12.1.
Variant type: single nucleotide variant.
Coding change: c.1110T>C on transcript NM_001943.5 (MANE Select); coding-DNA position 1110, T replaced by C.
Protein change: p.Pro370=; no amino-acid change (proline 370 retained).
Molecular consequence: synonymous variant.
Genome position (GRCh38, 1-based): chr18:31,531,082, T>C. VCF-style: chr18-31531082-T-C. GRCh37 (hg19) VCF-style: chr18-29111045-T-C.
Other names: c.1110T>C (LRG_397t1).
Identifiers: ClinVar variation 385820 (VCV000385820.14), dbSNP rs772805008, ClinGen allele CA041448.

ClinVar aggregate classification (germline): Likely benign. Review status: criteria provided, multiple submitters, no conflicts (2 of 4 stars). 6 submissions from 6 submitters: Likely benign (6). Last evaluated 2025-12-14.

Conditions:
Cardiovascular phenotype. Identifiers: MedGen CN230736.
Arrhythmogenic right ventricular cardiomyopathy (ARVD). Also called: Cardiomyopathy, ARVC; Arrhythmogenic right ventricular dysplasia; Arrhythmogenic cardiomyopathy; Arrhythmogenic Right Ventricular Cardiomyopathy (ARVC). Identifiers: Orphanet 247, MedGen C0349788, MeSH D019571, MONDO:0016587. Disease mechanism: loss of function. Inheritance: Various modes of inheritance.
Cardiomyopathy (CMYO). Also called: Cardiomyopathies. Identifiers: Orphanet 167848, MedGen C0878544, MONDO:0004994, HP:0001638. Inheritance: Various modes of inheritance.
Arrhythmogenic right ventricular dysplasia 10. Also called: Arrhythmogenic right ventricular dysplasia/cardiomyopathy, type 10; Arrhythmogenic Right Ventricular Dysplasia/Cardiomyopathy10; ARRHYTHMOGENIC RIGHT VENTRICULAR DYSPLASIA, FAMILIAL, 10. Identifiers: MedGen C1857777, MONDO:0012434, OMIM 610193.

Allele frequency attached by ClinVar (database versions not stated): gnomAD exomes 0.00001 and 0.00004; ExAC 0.00004.
gnomAD v4.1: 10 of 1,614,142 alleles (0.00062%); highest among the groups gnomAD compares: Admixed American, 0.013%; no homozygotes.

Submissions (6):

Labcorp Genetics (formerly Invitae), Labcorp
Classification: Likely benign for Arrhythmogenic right ventricular dysplasia 10. Last evaluated: 2025-12-14. Review status: criteria provided, single submitter. Criteria: Invitae Variant Classification Sherloc (09022015). Collection method: clinical testing. Allele origin: germline.

Women's Health and Genetics/Laboratory Corporation of America, LabCorp
Classification: Likely benign. Last evaluated: 2024-12-06. Review status: criteria provided, single submitter. Criteria: LabCorp Variant Classification Summary - May 2015. Collection method: clinical testing. Allele origin: germline.

All of Us Research Program, National Institutes of Health
Classification: Likely benign for Arrhythmogenic right ventricular cardiomyopathy. Last evaluated: 2023-12-13. Review status: criteria provided, single submitter. Criteria: ACMG Guidelines, 2015. Collection method: clinical testing. Allele origin: germline. Inheritance: Autosomal dominant inheritance. Observed: 6 variant alleles, 6 heterozygotes.
Comment: This study involves interpretation of variants in research participants for the purpose of population health screening. Participant phenotype was not available at the time of variant classification. Additional details can be found in publication PMID: 35346344, PMCID: PMC8962531

Ambry Genetics
Classification: Likely benign for Cardiovascular phenotype. Last evaluated: 2020-02-19. Review status: criteria provided, single submitter. Criteria: Ambry Variant Classification Scheme 2023. Collection method: clinical testing. Allele origin: germline.

Color Diagnostics, LLC DBA Color Health
Classification: Likely benign for Cardiomyopathy. Last evaluated: 2019-10-15. Review status: criteria provided, single submitter. Criteria: ACMG Guidelines, 2015. Collection method: clinical testing. Allele origin: germline.

GeneDx
Classification: Likely benign. Last evaluated: 2018-02-02. Review status: criteria provided, single submitter. Criteria: GeneDx Variant Classification (06012015). Collection method: clinical testing. Allele origin: germline. Affected: yes.
Comment: This variant is considered likely benign or benign based on one or more of the following criteria: it is a conservative change, it occurs at a poorly conserved position in the protein, it is predicted to be benign by multiple in silico algorithms, and/or has population frequency not consistent with disease.